The following is an entry in ClinVar:

NM_000535.7(PMS2):c.63G>T (p.Lys21Asn)

Gene: PMS2 (PMS1 homolog 2, mismatch repair system component; minus strand). Cytogenetic location: 7p22.1.
Variant type: single nucleotide variant.
Coding change: c.63G>T on transcript NM_000535.7 (MANE Select); coding-DNA position 63, G replaced by T.
Protein change: p.Lys21Asn; replaces lysine 21 with asparagine.
Molecular consequence: missense variant. On other transcripts: 5 prime UTR variant (8), non-coding transcript variant (1), intron variant (3).
Genome position (GRCh38, 1-based): chr7:6,005,992, C>A on the plus strand (G>T on the coding strand, the complement: PMS2 is on the minus strand). VCF-style: chr7-6005992-C-A. GRCh37 (hg19) VCF-style: chr7-6045623-C-A.
Other names: c.-343G>T (NM_001322003.2, NM_001322005.2, NM_001322009.2 and 1 more transcripts); c.63G>T, p.Lys21Asn (NM_001322006.2, NM_001322014.2); c.-153G>T (NM_001322007.2); c.-822G>T (NM_001322011.2, NM_001322012.2); c.-422G>T (NM_001322015.2); c.-52-1934G>T (NM_001322008.2); c.-242-1934G>T (NM_001322010.2, NM_001322004.2); short protein forms K21N.
Identifiers: ClinVar variation 826382 (VCV000826382.12), dbSNP rs772643900, ClinGen allele CA366745132.
Genomic context (GRCh38, chr7:6,005,992, plus strand): 5'-CTCCTTTACCGCAGTGCTTAGACTCAGTACCACCTGCCCAGAGCAAATCTGATGGACTGA[C>A]TTCCGATCAATAGGTTTGATGGCCTTAGCAGGTTCTGTACTAGAGAAATCAGTTACAAGA-3'
Protein context (NP_000526.2, residues 11-31): PAKAIKPIDR[Lys21Asn]SVHQICSGQV

ClinVar aggregate classification (germline): Uncertain significance. Review status: criteria provided, multiple submitters, no conflicts (2 of 4 stars). 2 submissions from 2 submitters: Uncertain significance (2). Last evaluated 2022-12-29.

Conditions:
Hereditary nonpolyposis colorectal neoplasms. Identifiers: MedGen C0009405, MeSH D003123.
Hereditary cancer-predisposing syndrome. Also called: Neoplastic Syndromes, Hereditary; Tumor predisposition; Hereditary neoplastic syndrome; Hereditary Cancer Syndrome. Identifiers: Orphanet 140162, MedGen C0027672, MeSH D009386, MONDO:0015356.

Submissions (2):

Labcorp Genetics (formerly Invitae), Labcorp
Classification: Uncertain significance for Hereditary nonpolyposis colorectal neoplasms. Last evaluated: 2022-12-29. Review status: criteria provided, single submitter. Criteria: Invitae Variant Classification Sherloc (09022015). Collection method: clinical testing. Allele origin: germline.
Comment: This sequence change replaces lysine, which is basic and polar, with asparagine, which is neutral and polar, at codon 21 of the PMS2 protein (p.Lys21Asn). This variant is not present in population databases (gnomAD no frequency). This variant has not been reported in the literature in individuals affected with PMS2-related conditions. ClinVar contains an entry for this variant (Variation ID: 826382). Advanced modeling of protein sequence and biophysical properties (such as structural, functional, and spatial information, amino acid conservation, physicochemical variation, residue mobility, and thermodynamic stability) has been performed at Invitae for this missense variant, however the output from this modeling did not meet the statistical confidence thresholds required to predict the impact of this variant on PMS2 protein function. In summary, the available evidence is currently insufficient to determine the role of this variant in disease. Therefore, it has been classified as a Variant of Uncertain Significance.

Ambry Genetics
Classification: Uncertain significance for Hereditary cancer-predisposing syndrome. Last evaluated: 2018-10-16. Review status: criteria provided, single submitter. Criteria: Ambry Variant Classification Scheme 2023. Collection method: clinical testing. Allele origin: germline.
Comment: The p.K21N variant (also known as c.63G>T), located in coding exon 2 of the PMS2 gene, results from a G to T substitution at nucleotide position 63. The lysine at codon 21 is replaced by asparagine, an amino acid with similar properties. This amino acid position is not well conserved in available vertebrate species. In addition, this alteration is predicted to be tolerated by in silico analysis. Since supporting evidence is limited at this time, the clinical significance of this alteration remains unclear.